The following is an entry in ClinVar:

NM_002047.4(GARS1):c.2029G>C (p.Val677Leu)

Gene: GARS1 (glycyl-tRNA synthetase 1; plus strand). Cytogenetic location: 7p14.3.
Variant type: single nucleotide variant.
Coding change: c.2029G>C on transcript NM_002047.4 (MANE Select); coding-DNA position 2029, G replaced by C.
Protein change: p.Val677Leu; replaces valine 677 with leucine.
Molecular consequence: missense variant.
Genome position (GRCh38, 1-based): chr7:30,632,372, G>C. VCF-style: chr7-30632372-G-C. GRCh37 (hg19) VCF-style: chr7-30671988-G-C.
Other names: c.1867G>C, p.Val623Leu (NM_001316772.1); short protein forms V623L, V677L.
Identifiers: ClinVar variation 1680961 (VCV001680961.8), dbSNP rs2128136305, ClinGen allele CA367130860.

ClinVar aggregate classification (germline): Uncertain significance (1 of 4 stars; one submission).

Conditions:
Charcot-Marie-Tooth disease type 2. Also called: Charcot-Marie-Tooth type 2. Identifiers: Orphanet 64746, MedGen C0270914, MONDO:0018993.

Submission:

Labcorp Genetics (formerly Invitae), Labcorp
Classification: Uncertain significance for Charcot-Marie-Tooth disease type 2. Last evaluated: 2021-07-05. Review status: criteria provided, single submitter. Criteria: Invitae Variant Classification Sherloc (09022015). Collection method: clinical testing. Allele origin: germline.
Comment: This variant is not present in population databases (ExAC no frequency). In summary, the available evidence is currently insufficient to determine the role of this variant in disease. Therefore, it has been classified as a Variant of Uncertain Significance. Algorithms developed to predict the effect of missense changes on protein structure and function (SIFT, PolyPhen-2, Align-GVGD) all suggest that this variant is likely to be tolerated. This variant has not been reported in the literature in individuals affected with GARS-related conditions. This sequence change replaces valine with leucine at codon 677 of the GARS protein (p.Val677Leu). The valine residue is moderately conserved and there is a small physicochemical difference between valine and leucine.